The following is an entry in ClinVar:

ClinVar aggregate classification (germline): Benign/Likely benign. Review status: criteria provided, multiple submitters, no conflicts (2 of 4 stars). 5 submissions from 5 submitters: Benign (2); Likely benign (2). 1 of the submissions does not count toward it. Last evaluated 2025-04-10.

Conditions:
Cognitive impairment - coarse facies - heart defects - obesity - pulmonary involvement - short stature - skeletal dysplasia syndrome. Also called: AFF4-Related CHOPS Syndrome; COGNITIVE IMPAIRMENT, COARSE FACIES, HEART DEFECTS, OBESITY, PULMONARY INVOLVEMENT, SHORT STATURE, AND SKELETAL DYSPLASIA; Chops syndrome. Identifiers: Orphanet 444077, MedGen C4085597, MONDO:0014609, OMIM 616368.
AFF4-related disorder. Also called: AFF4-related condition.

Allele frequency attached by ClinVar (database versions not stated): gnomAD 0.00010 and 0.00016; 1000 Genomes Project 30x 0.00016; TOPMed 0.00025; gnomAD exomes 0.00026 and 0.00044; ESP Exome Variant Server 0.00031; ExAC 0.00049.
gnomAD v4.1: 411 of 1,613,888 alleles (0.025%); highest among the groups gnomAD compares: Middle Eastern, 0.25%; no homozygotes.

Submissions (5):

Labcorp Genetics (formerly Invitae), Labcorp
Classification: Benign for Cognitive impairment - coarse facies - heart defects - obesity - pulmonary involvement - short stature - skeletal dysplasia syndrome. Last evaluated: 2025-04-10. Review status: criteria provided, single submitter. Criteria: Invitae Variant Classification Sherloc (09022015). Collection method: clinical testing. Allele origin: germline.

Blueprint Genetics
Classification: Likely benign. Last evaluated: 2023-07-27. Review status: criteria provided, single submitter. Criteria: ACMG Guidelines, 2015. Collection method: clinical testing. Allele origin: germline.

Genome-Nilou Lab
Classification: Benign for Cognitive impairment - coarse facies - heart defects - obesity - pulmonary involvement - short stature - skeletal dysplasia syndrome. Last evaluated: 2021-12-05. Review status: criteria provided, single submitter. Criteria: ACMG Guidelines, 2015. Collection method: clinical testing. Allele origin: germline. Affected: no.

Genetic Services Laboratory, University of Chicago
Classification: Likely benign. Last evaluated: 2016-01-22. Review status: criteria provided, single submitter. Criteria: ACMG Guidelines, 2015. Collection method: clinical testing. Allele origin: germline. Affected: no.

PreventionGenetics, part of Exact Sciences
Classification: Likely benign for AFF4-related condition. Last evaluated: 2022-01-31. Review status: no assertion criteria provided. Collection method: clinical testing. Allele origin: germline. Not counted in ClinVar's aggregate classification.
Comment: This variant is classified as likely benign based on ACMG/AMP sequence variant interpretation guidelines (Richards et al. 2015 PMID: 25741868, with internal and published modifications).

NM_014423.4(AFF4):c.2445C>T (p.Pro815=)

Gene: AFF4 (ALF transcription elongation factor 4; minus strand). Cytogenetic location: 5q31.1.
Variant type: single nucleotide variant.
Coding change: c.2445C>T on transcript NM_014423.4 (MANE Select); coding-DNA position 2445, C replaced by T.
Protein change: p.Pro815=; no amino-acid change (proline 815 retained).
Molecular consequence: synonymous variant.
Genome position (GRCh38, 1-based): chr5:132,892,356, G>A on the plus strand (C>T on the coding strand, the complement: AFF4 is on the minus strand). VCF-style: chr5-132892356-G-A. GRCh37 (hg19) VCF-style: chr5-132228048-G-A.
Identifiers: ClinVar variation 434101 (VCV000434101.17), dbSNP rs138116584, ClinGen allele CA3408921.